The following is an entry in ClinVar:

ClinVar aggregate classification (germline): Conflicting classifications of pathogenicity. Review status: criteria provided, conflicting classifications (1 of 4 stars). 2 submissions from 2 submitters: Likely pathogenic (1); Uncertain significance (1). Last evaluated 2017-01-20.

Submissions (2):

Laboratory for Molecular Medicine, Mass General Brigham Personalized Medicine
Classification: Uncertain significance. Last evaluated: 2017-01-20. Review status: criteria provided, single submitter. Criteria: LMM Criteria. Collection method: clinical testing. Allele origin: germline. Observed: 3 variant alleles.
Comment: Variant classified as Uncertain Significance - Favor Pathogenic. The p.Ser242Cys variant in MYH7 has not been previously reported in individuals with cardiomyop athy or in large population studies, but has been reported in ClinVar (Variation ID:181400). Serine at position 242 is highly conserved in evolution and the cha nge to Cysteine was predicted to be pathogenic using a computational tool clinic ally validated by our laboratory. This tool's pathogenic prediction is estimated to be correct 94% of the time (Jordan 2011). In summary, while there is some su spicion for a pathogenic role, the clinical significance of the p.Ser242Cys vari ant is uncertain.

GeneDx
Classification: Likely pathogenic. Last evaluated: 2014-09-30. Review status: criteria provided, single submitter. Criteria: GeneDx Variant Classification (06012015). Collection method: clinical testing. Allele origin: germline. Affected: yes.
Comment: p.Ser242Cys (TCC>TGC): c.725 C>G in exon 8 of the MYH7 gene (NM_000257.2). A S242C variant that is likely pathogenic was identified in the MYH7 gene. It has not been published as a mutation or as a benign polymorphism to our knowledge. The S242C variant was not observed in approximately 6,500 individuals of European and African American ancestry in the NHLBI Exome Sequencing Project, indicating it is not a common benign variant in these populations. In addition, the S242C variant is a non-conservative amino acid substitution at a position that is conserved across species. Furthermore, in silico analysis predicts this variant is probably damaging to the protein structure/function. Moreover, missense mutations in nearby residues (V236I, D239N, R243C, R243H) have been reported in association with cardiomyopathy, supporting the functional importance of this region of the protein. Therefore, this variant is a strong candidate for a pathogenic mutation, however the possibility that it is a benign variant cannot be excluded. The variant is found in DCM-CRDM panel(s).

NM_000257.4(MYH7):c.725C>G (p.Ser242Cys)

Gene: MYH7 (myosin heavy chain 7; minus strand). Cytogenetic location: 14q11.2.
Variant type: single nucleotide variant.
Coding change: c.725C>G on transcript NM_000257.4 (MANE Select); coding-DNA position 725, C replaced by G.
Protein change: p.Ser242Cys; replaces serine 242 with cysteine.
Molecular consequence: missense variant.
Genome position (GRCh38, 1-based): chr14:23,431,592, G>C on the plus strand (C>G on the coding strand, the complement: MYH7 is on the minus strand). VCF-style: chr14-23431592-G-C. GRCh37 (hg19) VCF-style: chr14-23900801-G-C.
Other names: p.S242C:TCC>TGC; short protein forms S242C.
Identifiers: ClinVar variation 181400 (VCV000181400.4), dbSNP rs730880921, ClinGen allele CA016686.